The following is an entry in ClinVar:

NM_000051.4(ATM):c.2495G>T (p.Arg832Leu)

Gene: ATM (ATM serine/threonine kinase; plus strand). Cytogenetic location: 11q22.3.
Variant type: single nucleotide variant.
Coding change: c.2495G>T on transcript NM_000051.4 (MANE Select); coding-DNA position 2495, G replaced by T.
Protein change: p.Arg832Leu; replaces arginine 832 with leucine.
Molecular consequence: missense variant.
Genome position (GRCh38, 1-based): chr11:108,267,199, G>T. VCF-style: chr11-108267199-G-T. GRCh37 (hg19) VCF-style: chr11-108137926-G-T.
Other names: c.2495G>T, p.Arg832Leu (NM_001351834.2); short protein forms R832L.
Identifiers: ClinVar variation 407579 (VCV000407579.30), dbSNP rs199875915, ClinGen allele CA6265050.
Genomic context (GRCh38, chr11:108,267,199, plus strand): 5'-ATCTTGAACATCTTTGTTTCTCTTCCTTGAAGGCATCCTTCATCAAAAAGCCATTTGACC[G>T]TGGAGAAGTAGAATCAATGGAAGATGATACTAATGGAAATCTAATGGAGGTGGAGGATCA-3'
Protein context (NP_000042.3, residues 822-842): LASFIKKPFD[Arg832Leu]GEVESMEDDT

ClinVar aggregate classification (germline): Conflicting classifications of pathogenicity. Review status: criteria provided, conflicting classifications (1 of 4 stars). 10 submissions from 10 submitters: Uncertain significance (8); Likely benign (1). 1 of the submissions does not count toward it. Last evaluated 2026-05-15.

Conditions:
ATM-related disorder. Also called: ATM-related disorders; ATM-related condition.
Hereditary cancer-predisposing syndrome. Also called: Neoplastic Syndromes, Hereditary; Tumor predisposition; Hereditary Cancer Syndrome; Hereditary neoplastic syndrome. Identifiers: Orphanet 140162, MedGen C0027672, MeSH D009386, MONDO:0015356.
Ataxia-telangiectasia syndrome (AT). Also called: LOUIS-BAR SYNDROME; Cerebello-oculocutaneous telangiectasia; Immunodeficiency with ataxia telangiectasia; Ataxia-telangiectasia, complementation group E; Ataxia-telangiectasia, complementation group D; AT, COMPLEMENTATION GROUP C. Identifiers: Orphanet 100, MedGen C0004135, MONDO:0008840, OMIM 208900.

Allele frequency attached by ClinVar (database versions not stated): TOPMed 0.00009.

Submissions (10):

Women's Health and Genetics/Laboratory Corporation of America, LabCorp
Classification: Uncertain significance. Last evaluated: 2026-05-15. Review status: criteria provided, single submitter. Criteria: LabCorp Variant Classification Summary - May 2015. Collection method: clinical testing. Allele origin: germline.
Comment: Variant summary: ATM c.2495G>T (p.Arg832Leu) results in a non-conservative amino acid change in the encoded protein sequence. Algorithms developed to predict the effect of missense changes on protein structure and function are either unavailable or do not agree on the potential impact of this missense change. The variant allele was found at a frequency of 8.8e-05 in 251380 control chromosomes (gnomAD). This frequency is not significantly higher than estimated for disease-causing variants in ATM, allowing no conclusion about variant significance. c.2495G>T has been reported in the literature in at least one individual affected with Breast Cancer (Gomez-Flores-Ramos_2020). The report does not provide unequivocal conclusions about association of the variant with disease. To our knowledge, no experimental evidence demonstrating an impact on protein function has been reported. The following publications have been ascertained in the context of this evaluation (PMID: 35406420, 36243179, 34884835). ClinVar contains an entry for this variant (Variation ID: 407579). Based on the evidence outlined above, the variant was classified as uncertain significance.

PreventionGenetics, part of Exact Sciences
Classification: Uncertain significance for ATM-related condition. Last evaluated: 2026-03-05. Review status: criteria provided, single submitter. Criteria: ACMG Guidelines, 2015. Collection method: clinical testing. Allele origin: germline.
Comment: The ATM c.2495G>T variant is predicted to result in the amino acid substitution p.Arg832Leu. To our knowledge, this variant has not been reported in the literature in individuals with ATM-related disease. This variant is reported in 0.055% of alleles in individuals of Latino descent in gnomAD and has conflicting interpretations regarding its pathogenicity in ClinVar, ranging from uncertain to likely benign (Variation ID: 407579). At this time, the clinical significance of this variant is uncertain due to the absence of conclusive functional and genetic evidence.

Labcorp Genetics (formerly Invitae), Labcorp
Classification: Uncertain significance for Ataxia-telangiectasia syndrome. Last evaluated: 2026-01-01. Review status: criteria provided, single submitter. Criteria: Invitae Variant Classification Sherloc (09022015). Collection method: clinical testing. Allele origin: germline.
Comment: This sequence change replaces arginine, which is basic and polar, with leucine, which is neutral and non-polar, at codon 832 of the ATM protein (p.Arg832Leu). This variant is present in population databases (rs199875915, gnomAD 0.05%). This variant has not been reported in the literature in individuals affected with ATM-related conditions. ClinVar contains an entry for this variant (Variation ID: 407579). Invitae Evidence Modeling of protein sequence and biophysical properties (such as structural, functional, and spatial information, amino acid conservation, physicochemical variation, residue mobility, and thermodynamic stability) indicates that this missense variant is not expected to disrupt ATM protein function with a negative predictive value of 95%. In summary, the available evidence is currently insufficient to determine the role of this variant in disease. Therefore, it has been classified as a Variant of Uncertain Significance.

Quest Diagnostics Nichols Institute San Juan Capistrano
Classification: Uncertain significance. Last evaluated: 2025-07-12. Review status: criteria provided, single submitter. Criteria: Quest Diagnostics criteria. Collection method: clinical testing. Allele origin: unknown.

Color Diagnostics, LLC DBA Color Health
Classification: Uncertain significance for Hereditary cancer-predisposing syndrome. Last evaluated: 2024-12-24. Review status: criteria provided, single submitter. Criteria: ACMG Guidelines, 2015. Collection method: clinical testing. Allele origin: germline.
Comment: This missense variant replaces arginine with leucine at codon 832 of the ATM protein. Computational prediction suggests that this variant may not impact protein structure and function. To our knowledge, functional studies have not been reported for this variant. This variant has been reported in an individual affected with breast cancer (PMID: 34884835). This variant has been identified in 22/251380 chromosomes in the general population by the Genome Aggregation Database (gnomAD). The available evidence is insufficient to determine the role of this variant in disease conclusively. Therefore, this variant is classified as a Variant of Uncertain Significance.

GeneDx
Classification: Uncertain significance. Last evaluated: 2023-05-24. Review status: criteria provided, single submitter. Criteria: GeneDx Variant Classification Process June 2021. Collection method: clinical testing. Allele origin: germline. Affected: yes.
Comment: In silico analysis supports that this missense variant does not alter protein structure/function; Has not been previously published as pathogenic or benign to our knowledge; This variant is associated with the following publications: (PMID: 28481359, 34884835)

Sema4
Classification: Uncertain significance for Hereditary cancer-predisposing syndrome. Last evaluated: 2021-04-13. Review status: criteria provided, single submitter. Criteria: Sema4 Curation Guidelines. Collection method: curation. Allele origin: germline.
Comment: The ATM c.2495G>T (p.R832L) variant has not been reported in the literature to our knowledge. It was observed in 19/34584 chromosomes of the Latino subpopulation in the large and broad cohorts of the Genome Aggregation Database (PMID: 32461654). The variant has been reported in ClinVar (Variation ID: 407579). In silico tools suggest the impact of the variant on protein function is benign, though these predictions have not been confirmed by functional studies. The evidence is insufficient to meet ACMG/AMP criteria for classifying the variant as benign or pathogenic. Thus, the clinical significance of this variant is currently uncertain.

Ambry Genetics
Classification: Likely benign for Hereditary cancer-predisposing syndrome. Last evaluated: 2018-12-18. Review status: criteria provided, single submitter. Criteria: Ambry Variant Classification Scheme 2023. Collection method: clinical testing. Allele origin: germline.

Baylor Genetics
Classification: Uncertain significance for Ataxia-telangiectasia syndrome. Last evaluated: 2018-11-11. Review status: criteria provided, single submitter. Criteria: ACMG Guidelines, 2015. Collection method: clinical testing. Allele origin: paternal. Affected: yes.
Comment: This variant was determined to be of uncertain significance according to ACMG Guidelines, 2015 [PMID:25741868].

True Health Diagnostics
Classification: Likely benign for Hereditary cancer-predisposing syndrome. Last evaluated: 2017-11-09. Review status: no assertion criteria provided. Collection method: clinical testing. Allele origin: germline. Not counted in ClinVar's aggregate classification.

Literature cited by the submitters: PubMed 34884835 (cited by Women's Health and Genetics/Laboratory Corporation of America, LabCorp and Color Diagnostics, LLC DBA Color Health); PubMed 35406420 (cited by Women's Health and Genetics/Laboratory Corporation of America, LabCorp); PubMed 36243179 (cited by Women's Health and Genetics/Laboratory Corporation of America, LabCorp).